The following is an entry in ClinVar:

NM_004168.4(SDHA):c.181G>C (p.Glu61Gln)

Gene: SDHA (succinate dehydrogenase complex flavoprotein subunit A; plus strand). Cytogenetic location: 5p15.33.
Variant type: single nucleotide variant.
Coding change: c.181G>C on transcript NM_004168.4 (MANE Select); coding-DNA position 181, G replaced by C.
Protein change: p.Glu61Gln; replaces glutamic acid 61 with glutamine.
Molecular consequence: missense variant.
Genome position (GRCh38, 1-based): chr5:224,390, G>C. VCF-style: chr5-224390-G-C. GRCh37 (hg19) VCF-style: chr5-224505-G-C.
Other names: c.181G>C, p.Glu61Gln (NM_001294332.2, NM_001330758.2); short protein forms E61Q.
Identifiers: ClinVar variation 2950620 (VCV002950620.3), dbSNP rs1734884330, ClinGen allele CA359008432.

ClinVar aggregate classification (germline): Uncertain significance (1 of 4 stars; one submission).

Conditions:
Mitochondrial complex II deficiency, nuclear type 1. Also called: SUCCINATE CoQ REDUCTASE DEFICIENCY. Identifiers: Orphanet 3208, MedGen C5700310, MONDO:0100294, OMIM 252011.
Pheochromocytoma/paraganglioma syndrome 5. Also called: Paragangliomas 5; SDHA-Related Hereditary Paraganglioma-Pheochromocytoma Syndrome. Identifiers: Orphanet 29072, MedGen C3279992, MONDO:0013602, OMIM 614165.

Allele frequency attached by ClinVar (database versions not stated): gnomAD exomes below 0.00001.
gnomAD v4.1: 1 of 1,613,648 alleles (0.000062%); highest among the groups gnomAD compares: South Asian, 0.0011%; no homozygotes.

Submission:

Labcorp Genetics (formerly Invitae), Labcorp
Classification: Uncertain significance for Pheochromocytoma/paraganglioma syndrome 5; Mitochondrial complex II deficiency, nuclear type 1. Last evaluated: 2023-08-08. Review status: criteria provided, single submitter. Criteria: Invitae Variant Classification Sherloc (09022015). Collection method: clinical testing. Allele origin: germline.
Comment: Advanced modeling of protein sequence and biophysical properties (such as structural, functional, and spatial information, amino acid conservation, physicochemical variation, residue mobility, and thermodynamic stability) performed at Invitae indicates that this missense variant is not expected to disrupt SDHA protein function. This variant has not been reported in the literature in individuals affected with SDHA-related conditions. This variant is not present in population databases (gnomAD no frequency). This sequence change replaces glutamic acid, which is acidic and polar, with glutamine, which is neutral and polar, at codon 61 of the SDHA protein (p.Glu61Gln). In summary, the available evidence is currently insufficient to determine the role of this variant in disease. Therefore, it has been classified as a Variant of Uncertain Significance.